The following is an entry in ClinVar:

ClinVar aggregate classification (germline): Uncertain significance. Review status: criteria provided, multiple submitters, no conflicts (2 of 4 stars). 2 submissions from 2 submitters: Uncertain significance (2). Last evaluated 2025-11-19.

Conditions:
Hereditary cancer-predisposing syndrome. Also called: Tumor predisposition; Hereditary Cancer Syndrome; Hereditary neoplastic syndrome; Neoplastic Syndromes, Hereditary. Identifiers: Orphanet 140162, MedGen C0027672, MeSH D009386, MONDO:0015356.
Ataxia-telangiectasia syndrome (AT). Also called: ATAXIA-TELANGIECTASIA, COMPLEMENTATION GROUP A; ATAXIA-TELANGIECTASIA, FRESNO VARIANT; Ataxia-telangiectasia; Ataxia-telangiectasia, complementation group E; LOUIS-BAR SYNDROME; Cerebello-oculocutaneous telangiectasia. Identifiers: Orphanet 100, MedGen C0004135, MONDO:0008840, OMIM 208900.

Submissions (2):

Ambry Genetics
Classification: Uncertain significance for Hereditary cancer-predisposing syndrome. Last evaluated: 2025-11-19. Review status: criteria provided, single submitter. Criteria: Ambry Variant Classification Scheme 2023. Collection method: clinical testing. Allele origin: germline.
Comment: The p.V2949G variant (also known as c.8846T>G), located in coding exon 60 of the ATM gene, results from a T to G substitution at nucleotide position 8846. The valine at codon 2949 is replaced by glycine, an amino acid with dissimilar properties. This variant was identified in a cohort of 3,579 African males diagnosed with prostate cancer who underwent multi-gene panel testing of 19 DNA repair and cancer predisposition genes (Matejcic M et al. JCO Precis Oncol, 2020 Jan;4:32-43). This amino acid position is highly conserved in available vertebrate species. In addition, this alteration is predicted to be deleterious by in silico analysis. Since supporting evidence is limited at this time, the clinical significance of this alteration remains unclear.

Labcorp Genetics (formerly Invitae), Labcorp
Classification: Uncertain significance for Ataxia-telangiectasia syndrome. Last evaluated: 2022-03-23. Review status: criteria provided, single submitter. Criteria: Invitae Variant Classification Sherloc (09022015). Collection method: clinical testing. Allele origin: germline.
Comment: In summary, the available evidence is currently insufficient to determine the role of this variant in disease. Therefore, it has been classified as a Variant of Uncertain Significance. Advanced modeling of protein sequence and biophysical properties (such as structural, functional, and spatial information, amino acid conservation, physicochemical variation, residue mobility, and thermodynamic stability) performed at Invitae indicates that this missense variant is expected to disrupt ATM protein function. This variant has not been reported in the literature in individuals affected with ATM-related conditions. This variant is not present in population databases (gnomAD no frequency). This sequence change replaces valine, which is neutral and non-polar, with glycine, which is neutral and non-polar, at codon 2949 of the ATM protein (p.Val2949Gly).

Literature cited by the submitters: PubMed 32832836 (cited by Ambry Genetics).

NM_000051.4(ATM):c.8846T>G (p.Val2949Gly)

Genes: ATM (ATM serine/threonine kinase; plus strand), C11orf65 (chromosome 11 open reading frame 65; minus strand). Cytogenetic location: 11q22.3.
Variant type: single nucleotide variant.
Coding change: c.8846T>G on transcript NM_000051.4 (MANE Select); coding-DNA position 8846, T replaced by G.
Protein change: p.Val2949Gly; replaces valine 2949 with glycine.
Molecular consequence: missense variant. On other transcripts: intron variant (2).
Genome position (GRCh38, 1-based): chr11:108,354,870, T>G. VCF-style: chr11-108354870-T-G. GRCh37 (hg19) VCF-style: chr11-108225597-T-G.
Other names: c.8846T>G, p.Val2949Gly (NM_001351834.2); c.640+31050A>C (NM_001330368.2); c.695-19578A>C (NM_001351110.2); short protein forms V2949G.
Identifiers: ClinVar variation 2115077 (VCV002115077.5), dbSNP rs2089701066, ClinGen allele CA382526100.